The following is an entry in ClinVar:

ClinVar aggregate classification (germline): Benign. Review status: criteria provided, multiple submitters, no conflicts (2 of 4 stars). 3 submissions from 3 submitters: Benign (2). 1 of the submissions does not count toward it. Last evaluated 2026-02-03.

Conditions:
FOCAD-related disorder. Also called: FOCAD-related condition.

Allele frequency attached by ClinVar (database versions not stated): gnomAD exomes 0.00159 and 0.00368; ExAC 0.00412; 1000 Genomes Project 0.01178; 1000 Genomes Project 30x 0.01249; gnomAD 0.01345 and 0.01451; TOPMed 0.01478; ESP Exome Variant Server 0.01492.
gnomAD v4.1: 4,503 of 1,606,118 alleles (0.28%); highest among the groups gnomAD compares: African/African-American, 4.7%; 102 homozygotes.

Submissions (3):

Labcorp Genetics (formerly Invitae), Labcorp
Classification: Benign. Last evaluated: 2026-02-03. Review status: criteria provided, single submitter. Criteria: Invitae Variant Classification Sherloc (09022015). Collection method: clinical testing. Allele origin: germline.

Breakthrough Genomics
Classification: Benign. Review status: criteria provided, single submitter. Criteria: ACMG Guidelines, 2015. Collection method: not provided. Allele origin: germline. Inheritance: Autosomal recessive inheritance. Affected: yes.

PreventionGenetics, part of Exact Sciences
Classification: Benign for FOCAD-related condition. Last evaluated: 2019-04-04. Review status: no assertion criteria provided. Collection method: clinical testing. Allele origin: germline. Not counted in ClinVar's aggregate classification.
Comment: This variant is classified as benign based on ACMG/AMP sequence variant interpretation guidelines (Richards et al. 2015 PMID: 25741868, with internal and published modifications).

NM_001375567.1(FOCAD):c.1819T>C (p.Leu607=)

Gene: FOCAD (focadhesin; plus strand). Cytogenetic location: 9p21.3.
Variant type: single nucleotide variant.
Coding change: c.1819T>C on transcript NM_001375567.1 (MANE Select); coding-DNA position 1819, T replaced by C.
Protein change: p.Leu607=; no amino-acid change (leucine 607 retained).
Molecular consequence: synonymous variant.
Genome position (GRCh38, 1-based): chr9:20,823,014, T>C. VCF-style: chr9-20823014-T-C. GRCh37 (hg19) VCF-style: chr9-20823013-T-C.
Other names: c.1714T>C, p.Leu572= (NM_001375568.1, NM_001375570.1); c.1819T>C, p.Leu607= (NM_017794.5).
Identifiers: ClinVar variation 776414 (VCV000776414.10), dbSNP rs35852117, ClinGen allele CA5006878.
Genomic context (GRCh38, chr9:20,823,014, plus strand): 5'-CATTAATTTTGCTTTTAAACTTTCATTTCTTGTAGGCCATATCAACATGGTGCAGATATG[T>C]TGGCAGCTATTTCTCAAGTGTTGAATGAATGCACCAAGCCTGATCAAGCTACTCCAGCAG-3'
Protein context (NP_001362496.1, residues 597-617): QRPYQHGADM[Leu607=]AAISQVLNEC